The following is an entry in ClinVar:

ClinVar aggregate classification (germline): Uncertain significance (1 of 4 stars; one submission).

Submission:

GeneDx
Classification: Uncertain significance. Last evaluated: 2026-03-24. Review status: criteria provided, single submitter. Criteria: GeneDx Variant Classification Process June 2021. Collection method: clinical testing. Allele origin: germline.
Comment: Not observed at significant frequency in large population cohorts (gnomAD); In silico analysis supports that this missense variant has a deleterious effect on protein structure/function; Has not been previously published as pathogenic or benign to our knowledge

NM_000090.4(COL3A1):c.452A>G (p.Tyr151Cys)

Gene: COL3A1 (collagen type III alpha 1 chain; plus strand). Cytogenetic location: 2q32.2.
Variant type: single nucleotide variant.
Coding change: c.452A>G on transcript NM_000090.4 (MANE Select); coding-DNA position 452, A replaced by G.
Protein change: p.Tyr151Cys; replaces tyrosine 151 with cysteine.
Molecular consequence: missense variant.
Genome position (GRCh38, 1-based): chr2:188,987,063, A>G. VCF-style: chr2-188987063-A-G. GRCh37 (hg19) VCF-style: chr2-189851789-A-G.
Other names: short protein forms Y151C.
Identifiers: ClinVar variation 5017231 (VCV005017231.1).